The following is an entry in ClinVar:

NM_000429.3(MAT1A):c.772G>A (p.Asp258Asn)

Gene: MAT1A (methionine adenosyltransferase 1A; minus strand). Cytogenetic location: 10q22.3.
Variant type: single nucleotide variant.
Coding change: c.772G>A on transcript NM_000429.3 (MANE Select); coding-DNA position 772, G replaced by A.
Protein change: p.Asp258Asn; replaces aspartic acid 258 with asparagine.
Molecular consequence: missense variant.
Genome position (GRCh38, 1-based): chr10:80,275,196, C>T on the plus strand (G>A on the coding strand, the complement: MAT1A is on the minus strand). VCF-style: chr10-80275196-C-T. GRCh37 (hg19) VCF-style: chr10-82034952-C-T.
Other names: short protein forms D258N.
Identifiers: ClinVar variation 529460 (VCV000529460.9), dbSNP rs1554840677, ClinGen allele CA377360981.
Genomic context (GRCh38, chr10:80,275,196, plus strand): 5'-CATGAGCCCCCCAGCCGCCATAGGTGTCCACAATAATCTTACGGCCAGTGACACCCGCAT[C>T]CCCCTGCAGAGGGAGAGAAATCAAGATAAGAAGCAGAGCCAGCCCCTAGATGCTGGAGGG-3'
Protein context (NP_000420.1, residues 248-268): GRFVIGGPQG[Asp258Asn]AGVTGRKIIV

ClinVar aggregate classification (germline): Uncertain significance (1 of 4 stars; one submission).

Conditions:
Hepatic methionine adenosyltransferase deficiency. Also called: Deficiency of methionine adenosyltransferase; Isolated Persistent Hypermethioninemia; MAT I/III DEFICIENCY; Methionine adenosyltransferase deficiency. Identifiers: Orphanet 168598, MedGen C0268621, MeSH C564683, MONDO:0009607, OMIM 250850.

Submission:

Labcorp Genetics (formerly Invitae), Labcorp
Classification: Uncertain significance for Hepatic methionine adenosyltransferase deficiency. Last evaluated: 2017-10-23. Review status: criteria provided, single submitter. Criteria: Invitae Variant Classification Sherloc (09022015). Collection method: clinical testing. Allele origin: germline.
Comment: Algorithms developed to predict the effect of missense changes on protein structure and function do not agree on the potential impact of this missense change (SIFT: "Deleterious"; PolyPhen-2: "Probably Damaging"; Align-GVGD: "Class C0"). This sequence change replaces aspartic acid with asparagine at codon 258 of the MAT1A protein (p.Asp258Asn). The aspartic acid residue is highly conserved and there is a small physicochemical difference between aspartic acid and asparagine. This variant is not present in population databases (ExAC no frequency). This variant has not been reported in the literature in individuals with MAT1A-related disease. In summary, the available evidence is currently insufficient to determine the role of this variant in disease. Therefore, it has been classified as a Variant of Uncertain Significance.